The following is an entry in ClinVar:

NM_000202.8(IDS):c.473ATC[1] (p.His159del)

Genes: IDS (iduronate 2-sulfatase; minus strand), LOC106050102 (IDS recombination region; plus strand). Cytogenetic location: Xq28.
Variant type: Microsatellite.
Coding change: c.473ATC[1] on transcript NM_000202.8 (MANE Select); one copy of the 3-base unit ATC starting at c.473; the reference has two copies in a row; one copy, 3 bases deleted; also written c.476_478del.
Protein change: p.His159del; deletes histidine 159.
Molecular consequence: inframe deletion. On other transcripts: non-coding transcript variant (1).
Genome position (GRCh38, 1-based): chrX:149,500,978-149,500,980, GAT deleted on the plus strand (ATC on the coding strand, the reverse complement: IDS is on the minus strand); deleting any 3 consecutive bases within chrX:149,500,978-149,500,983 gives the same sequence; the position shown is the placement nearest the transcript's 3' end. VCF-style (leftmost placement, unchanged base first): chrX-149500977-GGAT-G. GRCh37 (hg19) VCF-style: chrX-148582508-GGAT-G.
Other names: c.203ATC[1], p.His69del (NM_001166550.4); c.473ATC[1], p.His159del (NM_006123.5); c.476_478del (NM_000202.8); short protein forms H159del, H69del.
Identifiers: ClinVar variation 437443 (VCV000437443.8), dbSNP rs1557339887, ClinGen allele CA645372698.
Genomic context (GRCh38, chrX:149,500,977, plus strand): 5'-CCTCTTCAGAAATGTCCCTTTCACAGCCTTACCTTAGTGTTTTCATACTTCTCAGAGGAA[GGAT>G]GATAAGGTGGAAAAGACCAGCTATACGGAGAATCATCGGTATGGTTAGAAGATATCCCTT-3'

ClinVar aggregate classification (germline): Pathogenic. Review status: criteria provided, multiple submitters, no conflicts (2 of 4 stars). 3 submissions from 3 submitters: Pathogenic (3). Last evaluated 2024-06-07.

Conditions:
Mucopolysaccharidosis, MPS-II (MPS2). Also called: IDS deficiency; Sulfoiduronate sulfatase deficiency; SIDS deficiency; Mucopolysaccharidosis with skin involvement; Mucopolysaccharidosis type 2; Attenuated MPS (subtype; formerly known as mild MPS II). Identifiers: Orphanet 580, Orphanet 79388, MedGen C0026705, MONDO:0010674, OMIM 309900.

Submissions (3):

Laboratory of Diagnosis and Therapy of Lysosomal Disorders, University of Padova
Classification: Pathogenic for Mucopolysaccharidosis, MPS-II. Last evaluated: 2024-06-07. Review status: criteria provided, single submitter. Criteria: ACMG Guidelines, 2015. Collection method: literature only. Allele origin: germline. Affected: yes. Observed: 6 variant alleles.
Comment: Prevalence of the variant significantly increased in affected individuals compared with controls (PS4_Supporting), Absent from controls (or at low frequency) in gnomAD database (PM2_Moderate), Protein length changes in a nonrepeat region or stop–loss variants (PM4_Strong), Multiple lines of computational evidence support a deleterious effect (PP3_Supporting), Patient’s phenotype or family history highly specific for the disease (PP4_Moderate)

Classification method: ACMG Guidelines [PMID:25741868] with modifications

Genomic Research Center, Shahid Beheshti University of Medical Sciences
Classification: Pathogenic for Mucopolysaccharidosis, MPS-II. Last evaluated: 2017-06-07. Review status: criteria provided, single submitter. Criteria: ACMG Guidelines, 2015. Collection method: clinical testing. Allele origin: inherited. Affected: yes. Observed: 1 variant allele.

Department of Medical Genetics, Sanjay Gandhi Post Graduate Institute of Medical Sciences
Classification: Pathogenic for Mucopolysaccharidosis, MPS-II. Review status: criteria provided, single submitter. Criteria: ACMG Guidelines, 2015. Collection method: clinical testing. Allele origin: germline. Inheritance: X-linked recessive inheritance. Affected: yes. Observed: 1 variant allele, 1 hemizygote.

Literature cited by the submitters: PubMed 35144014 (cited by Laboratory of Diagnosis and Therapy of Lysosomal Disorders, University of Padova); PubMed 8281149 (cited by Laboratory of Diagnosis and Therapy of Lysosomal Disorders, University of Padova); PubMed 8111411 (cited by Laboratory of Diagnosis and Therapy of Lysosomal Disorders, University of Padova); PubMed 7887413 (cited by Laboratory of Diagnosis and Therapy of Lysosomal Disorders, University of Padova); PubMed 28844463 (cited by Laboratory of Diagnosis and Therapy of Lysosomal Disorders, University of Padova); PubMed 36945845 (cited by Laboratory of Diagnosis and Therapy of Lysosomal Disorders, University of Padova).